The following is an entry in ClinVar:

NM_000553.6(WRN):c.3591C>T (p.Asn1197=)

Gene: WRN (WRN RecQ like helicase; plus strand). Cytogenetic location: 8p12.
Variant type: single nucleotide variant.
Coding change: c.3591C>T on transcript NM_000553.6 (MANE Select); coding-DNA position 3591, C replaced by T.
Protein change: p.Asn1197=; no amino-acid change (asparagine 1197 retained).
Molecular consequence: synonymous variant.
Genome position (GRCh38, 1-based): chr8:31,150,359, C>T. VCF-style: chr8-31150359-C-T. GRCh37 (hg19) VCF-style: chr8-31007875-C-T.
Identifiers: ClinVar variation 528203 (VCV000528203.33), dbSNP rs151143960, ClinGen allele CA4705127.

ClinVar aggregate classification (germline): Likely benign. Review status: criteria provided, multiple submitters, no conflicts (2 of 4 stars). 2 submissions from 2 submitters: Likely benign (2). Last evaluated 2024-08-27.

Conditions:
Werner syndrome (WRN). Identifiers: Orphanet 902, MedGen C0043119, MONDO:0010196, OMIM 277700.

Allele frequency attached by ClinVar (database versions not stated): ExAC 0.00003; gnomAD exomes 0.00004; gnomAD 0.00010; ESP Exome Variant Server 0.00015; TOPMed 0.00016.
gnomAD v4.1: 38 of 1,613,856 alleles (0.0024%); highest among the groups gnomAD compares: African/African-American, 0.031%; no homozygotes.

Submissions (2):

Labcorp Genetics (formerly Invitae), Labcorp
Classification: Likely benign for Werner syndrome. Last evaluated: 2024-08-27. Review status: criteria provided, single submitter. Criteria: Invitae Variant Classification Sherloc (09022015). Collection method: clinical testing. Allele origin: germline.

CeGaT Center for Human Genetics Tuebingen
Classification: Likely benign. Last evaluated: 2022-04-01. Review status: criteria provided, single submitter. Criteria: CeGaT Center For Human Genetics Tuebingen Variant Classification Criteria Version 2. Collection method: clinical testing. Allele origin: germline. Affected: yes. Observed: 1 variant allele.
Comment: WRN: BP4, BP7